The following is an entry in ClinVar:

NM_001114134.2(EPB42):c.1305C>G (p.Tyr435Ter)

Gene: EPB42 (erythrocyte membrane protein band 4.2; minus strand). Cytogenetic location: 15q15.2.
Variant type: single nucleotide variant.
Coding change: c.1305C>G on transcript NM_001114134.2 (MANE Select); coding-DNA position 1305, C replaced by G.
Protein change: p.Tyr435Ter; replaces tyrosine 435 with a stop codon.
Molecular consequence: nonsense.
Genome position (GRCh38, 1-based): chr15:43,207,212, G>C on the plus strand (C>G on the coding strand, the complement: EPB42 is on the minus strand). VCF-style: chr15-43207212-G-C. GRCh37 (hg19) VCF-style: chr15-43499410-G-C.
Other names: c.1395C>G, p.Tyr465Ter (NM_000119.3); short protein forms Y435*, Y465*.
Identifiers: ClinVar variation 4685821 (VCV004685821.1).

ClinVar aggregate classification (germline): Pathogenic (1 of 4 stars; one submission).

Conditions:
Hereditary spherocytosis type 5. Also called: EPB42-Related Hereditary Spherocytosis; EPB42-Related Spherocytosis. Identifiers: Orphanet 822, MedGen C2675192, MONDO:0012985, OMIM 612690.

gnomAD v4.1: 5 of 1,614,028 alleles (0.00031%); highest among the groups gnomAD compares: African/African-American, 0.0013%; no homozygotes.

Submission:

ARUP Laboratories, Molecular Genetics and Genomics, ARUP Laboratories
Classification: Pathogenic for Hereditary spherocytosis type 5. Last evaluated: 2024-12-23. Review status: criteria provided, single submitter. Criteria: ARUP Molecular Germline Variant Investigation Process 2024. Collection method: clinical testing. Allele origin: germline.
Comment: The EPB42 c.1395C>G; p.Tyr465Ter variant (rs2042217646), also known as p.Tyr435Ter for NM_001114134, is reported in the literature in one individual affected with hereditary spherocytosis due to complete protein 4.2 deficiency who also carried another truncating EPB42 variant presumed to be in trans (van den Akker 2010). This variant is absent from the Genome Aggregation Database (v2.1.1), indicating it is not a common polymorphism. This variant induces an early termination codon and is predicted to result in a truncated protein or mRNA subject to nonsense-mediated decay. Based on available information, this variant is considered to be pathogenic. References: van den Akker E et al. Investigating the key membrane protein changes during in vitro erythropoiesis of protein 4.2 (-) cells (mutations Chartres 1 and 2). Haematologica. 2010 Aug;95(8):1278-86. PMID: 20179084.